The following is an entry in ClinVar:

ClinVar aggregate classification (germline): Benign/Likely benign. Review status: criteria provided, multiple submitters, no conflicts (2 of 4 stars). 4 submissions from 4 submitters: Benign (1); Likely benign (3). Last evaluated 2026-09-01.

Allele frequency attached by ClinVar (database versions not stated): 1000 Genomes Project 30x 0.00406; gnomAD exomes 0.00602 and 0.00665; ExAC 0.00630; ESP Exome Variant Server 0.01379.
gnomAD v4.1: 9,772 of 1,479,016 alleles (0.66%); highest among the groups gnomAD compares: Non-Finnish European, 0.66%; 258 homozygotes.

Submissions (4):

CeGaT Center for Human Genetics Tuebingen
Classification: Likely benign. Last evaluated: 2026-09-01. Review status: criteria provided, single submitter. Criteria: CeGaT Center For Human Genetics Tuebingen Variant Classification Criteria Version 2. Collection method: clinical testing. Allele origin: germline. Affected: yes. Observed: 11 variant alleles.
Comment: DSPP: BP4, BP7, BS2

ARUP Laboratories, Molecular Genetics and Genomics, ARUP Laboratories
Classification: Benign. Last evaluated: 2022-03-01. Review status: criteria provided, single submitter. Criteria: ARUP Molecular Germline Variant Investigation Process 2021. Collection method: clinical testing. Allele origin: germline.

GeneDx
Classification: Likely benign. Last evaluated: 2019-01-13. Review status: criteria provided, single submitter. Criteria: GeneDx Variant Classification Process June 2021. Collection method: clinical testing. Allele origin: germline. Affected: yes.

Breakthrough Genomics
Classification: Likely benign. Review status: criteria provided, single submitter. Criteria: ACMG Guidelines, 2015. Collection method: not provided. Allele origin: germline. Inheritance: Autosomal dominant inheritance. Affected: yes.

NM_014208.3(DSPP):c.3204T>C (p.Asp1068=)

Genes: DMP1-AS1 (DMP1 and DSPP antisense RNA 1; minus strand), DSPP (dentin sialophosphoprotein; plus strand). Cytogenetic location: 4q22.1.
Variant type: single nucleotide variant.
Coding change: c.3204T>C on transcript NM_014208.3 (MANE Select); coding-DNA position 3204, T replaced by C.
Protein change: p.Asp1068=; no amino-acid change (aspartic acid 1068 retained).
Molecular consequence: synonymous variant.
Genome position (GRCh38, 1-based): chr4:87,615,866, T>C. VCF-style: chr4-87615866-T-C. GRCh37 (hg19) VCF-style: chr4-88537018-T-C.
Identifiers: ClinVar variation 993972 (VCV000993972.44), dbSNP rs370264407, ClinGen allele CA3001461.